The following is an entry in ClinVar:

NM_000133.4(F9):c.1324G>A (p.Gly442Arg)

Gene: F9 (coagulation factor IX; plus strand). Cytogenetic location: Xq27.1.
Variant type: single nucleotide variant.
Coding change: c.1324G>A on transcript NM_000133.4 (MANE Select); coding-DNA position 1324, G replaced by A.
Protein change: p.Gly442Arg; replaces glycine 442 with arginine.
Molecular consequence: missense variant.
Genome position (GRCh38, 1-based): chrX:139,562,009, G>A. VCF-style: chrX-139562009-G-A. GRCh37 (hg19) VCF-style: chrX-138644168-G-A.
Other names: F9, GLY396ARG; G396R; NM_000133.3(F9):c.1324G>A; c.1210G>A, p.Gly404Arg (NM_001313913.2); short protein forms G442R, G404R.
Identifiers: ClinVar variation 10624 (VCV000010624.2), dbSNP rs137852267, ClinGen allele CA255418.

ClinVar aggregate classification (germline): Pathogenic. Review status: reviewed by expert panel (3 of 4 stars). 2 submissions from 2 submitters: Pathogenic (1). 1 of the submissions does not count toward it. Last evaluated 2025-03-10.

Conditions:
Hereditary factor IX deficiency disease (HEMB). Also called: Christmas Disease; Hemophilia B; PLASMA THROMBOPLASTIN COMPONENT DEFICIENCY; F9 DEFICIENCY; FACTOR IX DEFICIENCY. Identifiers: Orphanet 98879, MedGen C0008533, MeSH D002836, MONDO:0010604, OMIM 306900.

Allele frequency attached by ClinVar (database versions not stated): TOPMed 0.00001.

Submissions (2):

ClinGen Coagulation Factor Deficiency Variant Curation Expert Panel, Clingen
Classification: Pathogenic for Hereditary factor IX deficiency disease. Last evaluated: 2025-03-10. Review status: reviewed by expert panel. Criteria: ClinGen CoagFactor ACMG Specifications F9 V1.0.0. Collection method: curation. Allele origin: germline. Inheritance: X-linked inheritance.
Comment: The c.1324G>A (NM_000133.4) variant in F9 is a missense variant predicted to cause substitution of Glycine by Arginine at amino acid 442 (p.Gly442Arg). This variant has been reported in at least 8 probands with severe or moderate hemophilia B (PS4_Very Strong; PMID: 24656159, 27109384, 22544209, 29296726, 8055323, 10739381, 2714791). This variant is absent from gnomAD v2.1, v3.1.2. The computational predictor REVEL gives a score of 0.933, which is above the threshold of 0.6, evidence that correlates with impact to F9 function (PP3). In summary, this variant meets the criteria to be classified as pathogenic for X-linked recessive hemophilia B based on the ACMG/AMP criteria applied, as specified by the ClinGen Coagulation Factor Deficiency VCEP for F9: PS4_Very Strong, PP3, PM2_Supporting.

OMIM
Classification: Pathogenic for HEMOPHILIA B. Last evaluated: 2013-09-11. Review status: no assertion criteria provided. Collection method: literature only. Allele origin: germline. Not counted in ClinVar's aggregate classification.

Literature cited by the submitters: Attree, O., Vidaud, M., Vidaud, D., Lavergne, J. M., Goossens, M. New strategies for rapid detection and characterization of mutations in hemophilia B. (Abstract) Thromb. Haemost. 62: 8, 1989. (cited by OMIM).